The following is an entry in ClinVar:

ClinVar aggregate classification (germline): Benign. Review status: criteria provided, multiple submitters, no conflicts (2 of 4 stars). 3 submissions from 3 submitters: Benign (3). Last evaluated 2024-01-24.

Allele frequency attached by ClinVar (database versions not stated): 1000 Genomes Project 30x 0.98563; 1000 Genomes Project 0.67532.

Submissions (3):

Unidad de Genómica Garrahan, Hospital de Pediatría Garrahan
Classification: Benign. Last evaluated: 2024-01-24. Review status: criteria provided, single submitter. Criteria: ACMG Guidelines, 2015. Collection method: clinical testing. Allele origin: germline. Affected: no. Observed: 82 variant alleles.
Comment: This variant is classified as Benign based on local population frequency. This variant was detected in 86% of patients studied by a panel of primary immunodeficiencies. Number of patients: 82. Only high quality variants are reported.

GeneDx
Classification: Benign. Last evaluated: 2019-08-15. Review status: criteria provided, single submitter. Criteria: GeneDx Variant Classification Process June 2021. Collection method: clinical testing. Allele origin: germline. Affected: yes.

Breakthrough Genomics
Classification: Benign. Review status: criteria provided, single submitter. Criteria: ACMG Guidelines, 2015. Collection method: not provided. Allele origin: germline. Inheritance: Autosomal recessive inheritance. Affected: yes.

NM_002582.4(PARN):c.702+87C>T

Gene: PARN (poly(A)-specific ribonuclease; minus strand). Cytogenetic location: 16p13.12.
Variant type: single nucleotide variant.
Coding change: c.702+87C>T on transcript NM_002582.4 (MANE Select); 87 bases into the intron after coding-DNA position 702, C replaced by T.
Molecular consequence: intron variant.
Genome position (GRCh38, 1-based): chr16:14,606,397, G>A on the plus strand (C>T on the coding strand, the complement: PARN is on the minus strand). VCF-style: chr16-14606397-G-A. GRCh37 (hg19) VCF-style: chr16-14700254-G-A.
Other names: c.519+87C>T (NM_001134477.3); c.564+87C>T (NM_001242992.2).
Identifiers: ClinVar variation 1276856 (VCV001276856.4), dbSNP rs4782156, ClinGen allele CA278531119.